The following is an entry in ClinVar:

ClinVar aggregate classification (germline): Pathogenic (1 of 4 stars; one submission).

Conditions:
Neurometabolic disorder due to serine deficiency. Identifiers: Orphanet 35705, MedGen C5680148, MONDO:0018162.

Submission:

Myriad Genetics, Inc.
Classification: Pathogenic for Neurometabolic disorder due to serine deficiency. Last evaluated: 2026-03-25. Review status: criteria provided, single submitter. Criteria: Myriad Autosomal Dominant, Autosomal Recessive and X-Linked Classification Criteria (2023). Collection method: clinical testing. Allele origin: unknown.
Comment: NM_006623.3(PHGDH):c.1103delA(N368Tfs*3) is expected to be pathogenic in the context of serine deficiency disorder, PHGDH-related. This variant is predicted to lead to an abnormal or absent protein product due to the creation of a premature termination codon in PHGDH, a gene where loss-of-function variants are known to be pathogenic. Please note: this variant was assessed in the context of healthy population screening.

NM_006623.4(PHGDH):c.1103del (p.Asn368fs)

Gene: PHGDH (phosphoglycerate dehydrogenase; plus strand). Cytogenetic location: 1p12.
Variant type: Deletion.
Coding change: c.1103del on transcript NM_006623.4 (MANE Select); coding-DNA position 1103, one base deleted (A; older notation c.1103delA).
Protein change: p.Asn368fs; shifts the reading frame from asparagine 368.
Molecular consequence: frameshift variant.
Genome position (GRCh38, 1-based): chr1:119,741,791, A deleted; the last of 2 consecutive A bases (chr1:119,741,790-119,741,791); deleting either gives the same sequence. VCF-style (leftmost placement, unchanged base first): chr1-119741789-GA-G. GRCh37 (hg19) VCF-style: chr1-120284412-GA-G.
Other names: short protein forms N368fs.
Identifiers: ClinVar variation 5015731 (VCV005015731.1).